The following is an entry in ClinVar:

ClinVar aggregate classification (germline): Uncertain significance (1 of 4 stars; one submission).

Conditions:
Developmental and epileptic encephalopathy 94 (DEE94). Also called: CHD2-Related Neurodevelopmental Disorders; Epileptic encephalopathy, childhood-onset. Identifiers: Orphanet 1942, Orphanet 2382, MedGen C3809278, MONDO:0014150, OMIM 615369.

Allele frequency attached by ClinVar (database versions not stated): gnomAD exomes below 0.00001; TOPMed below 0.00001; ExAC 0.00001.
gnomAD v4.1: 1 of 1,613,478 alleles (0.000062%); highest among the groups gnomAD compares: Non-Finnish European, 0.000085%; no homozygotes.

Submission:

Labcorp Genetics (formerly Invitae), Labcorp
Classification: Uncertain significance for Developmental and epileptic encephalopathy 94. Last evaluated: 2022-01-14. Review status: criteria provided, single submitter. Criteria: Invitae Variant Classification Sherloc (09022015). Collection method: clinical testing. Allele origin: germline.
Comment: This variant has not been reported in the literature in individuals affected with CHD2-related conditions. The frequency data for this variant in the population databases is considered unreliable, as metrics indicate poor data quality at this position in the gnomAD database. This sequence change replaces histidine, which is basic and polar, with arginine, which is basic and polar, at codon 445 of the CHD2 protein (p.His445Arg). Advanced modeling of protein sequence and biophysical properties (such as structural, functional, and spatial information, amino acid conservation, physicochemical variation, residue mobility, and thermodynamic stability) performed at Invitae indicates that this missense variant is not expected to disrupt CHD2 protein function. In summary, the available evidence is currently insufficient to determine the role of this variant in disease. Therefore, it has been classified as a Variant of Uncertain Significance.

NM_001271.4(CHD2):c.1334A>G (p.His445Arg)

Gene: CHD2 (chromodomain helicase DNA binding protein 2; plus strand). Cytogenetic location: 15q26.1.
Variant type: single nucleotide variant.
Coding change: c.1334A>G on transcript NM_001271.4 (MANE Select); coding-DNA position 1334, A replaced by G.
Protein change: p.His445Arg; replaces histidine 445 with arginine.
Molecular consequence: missense variant.
Genome position (GRCh38, 1-based): chr15:92,946,173, A>G. VCF-style: chr15-92946173-A-G. GRCh37 (hg19) VCF-style: chr15-93489403-A-G.
Other names: c.1334A>G, p.His445Arg (NM_001042572.3); short protein forms H445R.
Identifiers: ClinVar variation 1484505 (VCV001484505.8), dbSNP rs750053293, ClinGen allele CA7747778.